The following is an entry in ClinVar:

ClinVar aggregate classification (germline): Conflicting classifications of pathogenicity. Review status: criteria provided, conflicting classifications (1 of 4 stars). 3 submissions from 3 submitters: Uncertain significance (2); Likely benign (1). Last evaluated 2023-04-03.

Conditions:
Schuurs-Hoeijmakers syndrome. Also called: PACS1-Related Neurodevelopmental Disorder. Identifiers: Orphanet 329224, MedGen C3554343, MONDO:0014006, OMIM 615009.

Allele frequency attached by ClinVar (database versions not stated): gnomAD exomes below 0.00001; TOPMed below 0.00001; ExAC 0.00001.
gnomAD v4.1: 2 of 1,614,154 alleles (0.00012%); highest among the groups gnomAD compares: South Asian, 0.0022%; no homozygotes.

Submissions (3):

GeneDx
Classification: Uncertain significance. Last evaluated: 2023-04-03. Review status: criteria provided, single submitter. Criteria: GeneDx Variant Classification Process June 2021. Collection method: clinical testing. Allele origin: germline. Affected: yes.
Comment: In silico analysis supports that this missense variant has a deleterious effect on protein structure/function; Has not been previously published as pathogenic or benign to our knowledge

CeGaT Center for Human Genetics Tuebingen
Classification: Likely benign. Last evaluated: 2023-03-01. Review status: criteria provided, single submitter. Criteria: CeGaT Center For Human Genetics Tuebingen Variant Classification Criteria Version 2. Collection method: clinical testing. Allele origin: germline. Affected: yes. Observed: 1 variant allele.
Comment: PACS1: BP4

New York Genome Center
Classification: Uncertain significance for Schuurs-Hoeijmakers syndrome. Last evaluated: 2021-09-03. Review status: criteria provided, single submitter. Criteria: NYGC Assertion Criteria 2020. Collection method: clinical testing. Allele origin: germline. Observed: 1 heterozygote. Study: CSER-NYCKidSeq.
Comment: The c.2305G>A (p.Asp769Asn) variant identified in the PACS1 gene substitutes a moderately conserved Aspartic acid for Asparagine at amino acid 769/964 (exon 21/24). This variant is found with low frequency in gnomAD(v2.1.1)(1 heterozygote, 0 homozygotes; allele frequency:3.98e-6) suggesting it is not a common benign variant in the populations represented in that database. In silico algorithms predict this variant to be Damaging (SIFT; score:0.005) and Benign (REVEL; score: 0.31) to the function of the canonical transcript. This variant is absent from ClinVar and to our current knowledge has not been reported in affected individuals in the literature. The p.Asp769 residue is not within a mapped domain of PACS1, but is within a region of the protein with compositional bias of polarresidues (UniProtKB:Q6VY07). Given the lack of compelling evidence for its pathogenicity, the c.2305G>A (p.Asp769Asn) variant identified in the PACS1 gene is reported as a Variant of Uncertain Significance.

NM_018026.4(PACS1):c.2305G>A (p.Asp769Asn)

Gene: PACS1 (phosphofurin acidic cluster sorting protein 1; plus strand). Cytogenetic location: 11q13.2.
Variant type: single nucleotide variant.
Coding change: c.2305G>A on transcript NM_018026.4 (MANE Select); coding-DNA position 2305, G replaced by A.
Protein change: p.Asp769Asn; replaces aspartic acid 769 with asparagine.
Molecular consequence: missense variant.
Genome position (GRCh38, 1-based): chr11:66,239,153, G>A. VCF-style: chr11-66239153-G-A. GRCh37 (hg19) VCF-style: chr11-66006624-G-A.
Other names: c.2305G>A (NM_018026.3); short protein forms D769N.
Identifiers: ClinVar variation 1696572 (VCV001696572.26), dbSNP rs751638632, ClinGen allele CA6116846.